The following is an entry in ClinVar:

ClinVar aggregate classification (germline): Uncertain significance. Review status: criteria provided, multiple submitters, no conflicts (2 of 4 stars). 2 submissions from 2 submitters: Uncertain significance (2). Last evaluated 2024-03-05.

Conditions:
Epidermolysis bullosa simplex with nail dystrophy (EBS5D). Identifiers: MedGen C4225309, MONDO:0014661, OMIM 616487.
Autosomal recessive limb-girdle muscular dystrophy type 2Q (LGMDR17). Also called: MUSCULAR DYSTROPHY, LIMB-GIRDLE, AUTOSOMAL RECESSIVE 17. Identifiers: Orphanet 254361, MedGen C3150989, MONDO:0013390, OMIM 613723.
Epidermolysis bullosa simplex 5C, with pyloric atresia (EBS5C). Also called: PLEC1-Related Epidermolysis Bullosa with Pyloric Atresia; PLEC-Related Epidermolysis Bullosa with Pyloric Atresia; Epidermolysis bullosa simplex with pyloric atresia. Identifiers: Orphanet 158684, MedGen C2677349, MONDO:0012807, OMIM 612138.
Epidermolysis bullosa simplex 5B, with muscular dystrophy (EBS5B). Also called: Epidermolysis bullosa simplex with muscular dystrophy; EPIDERMOLYSIS BULLOSA SIMPLEX AND LIMB-GIRDLE MUSCULAR DYSTROPHY. Identifiers: Orphanet 257, MedGen C2931072, MONDO:0009181, OMIM 226670.
Epidermolysis bullosa simplex, Ogna type (EBS5A). Also called: EPIDERMOLYSIS BULLOSA SIMPLEX 5A, OGNA TYPE; Pidermolysis bullosa simplex 5A, Ogna type. Identifiers: Orphanet 79401, MedGen C0432317, MONDO:0007555, OMIM 131950.
Inborn genetic diseases. Identifiers: MedGen C0950123, MeSH D030342.

Allele frequency attached by ClinVar (database versions not stated): ExAC 0.00001; gnomAD 0.00001.

Submissions (2):

Ambry Genetics
Classification: Uncertain significance for Inborn genetic diseases. Last evaluated: 2024-03-05. Review status: criteria provided, single submitter. Criteria: Ambry Variant Classification Scheme 2023. Collection method: clinical testing. Allele origin: germline.

Labcorp Genetics (formerly Invitae), Labcorp
Classification: Uncertain significance for Autosomal recessive limb-girdle muscular dystrophy type 2Q; Epidermolysis bullosa simplex, Ogna type; Epidermolysis bullosa simplex with nail dystrophy; Epidermolysis bullosa simplex 5C, with pyloric atresia; Epidermolysis bullosa simplex 5B, with muscular dystrophy. Last evaluated: 2023-11-18. Review status: criteria provided, single submitter. Criteria: Invitae Variant Classification Sherloc (09022015). Collection method: clinical testing. Allele origin: germline.
Comment: This sequence change replaces glutamic acid, which is acidic and polar, with lysine, which is basic and polar, at codon 2713 of the PLEC protein (p.Glu2713Lys). This variant is present in population databases (rs782520500, gnomAD 0.01%). This variant has not been reported in the literature in individuals affected with PLEC-related conditions. An algorithm developed to predict the effect of missense changes on protein structure and function (PolyPhen-2) suggests that this variant is likely to be disruptive. In summary, the available evidence is currently insufficient to determine the role of this variant in disease. Therefore, it has been classified as a Variant of Uncertain Significance.

NM_201384.3(PLEC):c.8056G>A (p.Glu2686Lys)

Gene: PLEC (plectin; minus strand). Cytogenetic location: 8q24.3.
Variant type: single nucleotide variant.
Coding change: c.8056G>A on transcript NM_201384.3 (MANE Select); coding-DNA position 8056, G replaced by A.
Protein change: p.Glu2686Lys; replaces glutamic acid 2686 with lysine.
Molecular consequence: missense variant.
Genome position (GRCh38, 1-based): chr8:143,921,765, C>T on the plus strand (G>A on the coding strand, the complement: PLEC is on the minus strand). VCF-style: chr8-143921765-C-T. GRCh37 (hg19) VCF-style: chr8-144995933-C-T.
Other names: c.8068G>A, p.Glu2690Lys (NM_201383.3); c.8137G>A, p.Glu2713Lys (NM_000445.5); c.4756G>A, p.Glu1586Lys (NM_001410941.1); c.8014G>A, p.Glu2672Lys (NM_201378.4); c.7990G>A, p.Glu2664Lys (NM_201379.3); c.8467G>A, p.Glu2823Lys (NM_201380.4); c.7960G>A, p.Glu2654Lys (NM_201381.3); c.8056G>A, p.Glu2686Lys (NM_201382.4); and 1 more; short protein forms E2654K, E2823K, E1586K, E2686K, E2690K, E2713K, E2664K, E2672K.
Identifiers: ClinVar variation 2953627 (VCV002953627.4), dbSNP rs782520500, ClinGen allele CA4925435.